The following is an entry in ClinVar:

NM_012431.3(SEMA3E):c.2303dup (p.Pro769fs)

Gene: SEMA3E (semaphorin 3E; minus strand). Cytogenetic location: 7q21.11.
Variant type: Duplication.
Coding change: c.2303dup on transcript NM_012431.3 (MANE Select); coding-DNA position 2303, one base duplicated (T; older notation c.2303dupT).
Protein change: p.Pro769fs; shifts the reading frame from proline 769.
Molecular consequence: frameshift variant.
Genome position (GRCh38, 1-based): chr7:83,367,611, A duplicated on the plus strand (T on the coding strand, the reverse complement: SEMA3E is on the minus strand). VCF-style (leftmost placement, unchanged base first): chr7-83367610-C-CA. GRCh37 (hg19) VCF-style: chr7-82996926-C-CA.
Other names: c.2123dup, p.Pro709fs (NM_001178129.2); c.2303dupT (NM_012431.2); short protein forms P709fs, P769fs.
Identifiers: ClinVar variation 1059922 (VCV001059922.8), dbSNP rs2116891594, ClinGen allele CA2499219021.

ClinVar aggregate classification (germline): Uncertain significance. Review status: criteria provided, multiple submitters, no conflicts (2 of 4 stars). 2 submissions from 2 submitters: Uncertain significance (2). Last evaluated 2025-09-03.

Conditions:
CHARGE syndrome (CHARGE). Also called: Hittner Hirsch Kreh syndrome; CHARGE ASSOCIATION--COLOBOMA, HEART ANOMALY, CHOANAL ATRESIA, RETARDATION, GENITAL AND EAR ANOMALIES; Coloboma, heart anomaly, choanal atresia, retardation, genital and ear anomalies; CHARGE association; Hall-Hittner syndrome. Identifiers: Orphanet 138, MedGen C0265354, MONDO:0008965.
SEMA3E-related disorder. Also called: SEMA3E-related condition.

Submissions (2):

PreventionGenetics, part of Exact Sciences
Classification: Uncertain significance for SEMA3E-related condition. Last evaluated: 2025-09-03. Review status: criteria provided, single submitter. Criteria: ACMG Guidelines, 2015. Collection method: clinical testing. Allele origin: germline.
Comment: The SEMA3E c.2303dupT variant is predicted to result in a frameshift and premature protein termination (p.Pro769Alafs*11). To our knowledge, this variant has not been reported in the literature or in a large population database (gnomAD), indicating this variant is rare. This variant resides in the final exon of this gene, and it is unclear if the resulting mRNA would undergo nonsense-mediated decay. At this time, the clinical significance of this variant is uncertain due to the absence of conclusive functional and genetic evidence.

Labcorp Genetics (formerly Invitae), Labcorp
Classification: Uncertain significance for CHARGE syndrome. Last evaluated: 2020-02-11. Review status: criteria provided, single submitter. Criteria: Invitae Variant Classification Sherloc (09022015). Collection method: clinical testing. Allele origin: germline.
Comment: This sequence change results in a frameshift in the SEMA3E gene (p.Pro769Alafs*11). While this is not anticipated to result in nonsense mediated decay, it is expected to disrupt the last 7 amino acids of the SEMA3E protein and extend the protein by an additional 4 amino acids. This variant is not present in population databases (ExAC no frequency). This variant has not been reported in the literature in individuals with SEMA3E-related conditions. Experimental studies and prediction algorithms are not available or were not evaluated, and the functional significance of this variant is currently unknown. In summary, the available evidence is currently insufficient to determine the role of this variant in disease. Therefore, it has been classified as a Variant of Uncertain Significance.